The following is an entry in ClinVar:

NM_018368.4(LMBRD1):c.37A>G (p.Ile13Val)

Gene: LMBRD1 (LMBR1 domain containing 1; minus strand). Cytogenetic location: 6q13.
Variant type: single nucleotide variant.
Coding change: c.37A>G on transcript NM_018368.4 (MANE Select); coding-DNA position 37, A replaced by G.
Protein change: p.Ile13Val; replaces isoleucine 13 with valine.
Molecular consequence: missense variant.
Genome position (GRCh38, 1-based): chr6:69,796,845, T>C on the plus strand (A>G on the coding strand, the complement: LMBRD1 is on the minus strand). VCF-style: chr6-69796845-T-C. GRCh37 (hg19) VCF-style: chr6-70506737-T-C.
Other names: short protein forms I13V.
Identifiers: ClinVar variation 2159192 (VCV002159192.1), dbSNP rs139251334, ClinGen allele CA3880044.
Genomic context (GRCh38, chr6:69,796,845, plus strand): 5'-TGGGGAAAACTCCAAGCGCCTCCCCTACCAGTAGTAAGAGGCCGAATATGCACCAGCCGA[T>C]CACCAGCTCCGCCGAGGCCGCGCCAGAAGTCGCCATCTTCGCTTCCGGTCCAGACCAACC-3'
Protein context (NP_060838.3, residues 3-23): TSGAASAELV[Ile13Val]GWCIFGLLLL

ClinVar aggregate classification (germline): Uncertain significance (1 of 4 stars; one submission).

Conditions:
Methylmalonic aciduria and homocystinuria type cblF. Also called: COBALAMIN F DISEASE; COBALAMIN, DEFECT IN LYSOSOMAL RELEASE OF; METHYLMALONIC ACIDEMIA AND HOMOCYSTINURIA, cblF TYPE; METHYLMALONIC ACIDURIA DUE TO VITAMIN B12-RELEASE DEFECT; VITAMIN B12 LYSOSOMAL RELEASE DEFECT; VITAMIN B12 STORAGE DISEASE. Identifiers: Orphanet 79284, MedGen C1848578, MONDO:0010183, OMIM 277380.

Allele frequency attached by ClinVar (database versions not stated): gnomAD exomes 0.00001; ExAC 0.00009; gnomAD 0.00014; TOPMed 0.00016; 1000 Genomes Project 30x 0.00031; ESP Exome Variant Server 0.00031; 1000 Genomes Project 0.00040.
gnomAD v4.1: 31 of 1,612,872 alleles (0.0019%); highest among the groups gnomAD compares: African/African-American, 0.039%; no homozygotes.

Submission:

Labcorp Genetics (formerly Invitae), Labcorp
Classification: Uncertain significance for Methylmalonic aciduria and homocystinuria type cblF. Last evaluated: 2022-02-06. Review status: criteria provided, single submitter. Criteria: Invitae Variant Classification Sherloc (09022015). Collection method: clinical testing. Allele origin: germline.
Comment: This sequence change replaces isoleucine, which is neutral and non-polar, with valine, which is neutral and non-polar, at codon 13 of the LMBRD1 protein (p.Ile13Val). This variant is present in population databases (rs139251334, gnomAD 0.06%). This variant has not been reported in the literature in individuals affected with LMBRD1-related conditions. Algorithms developed to predict the effect of missense changes on protein structure and function (SIFT, PolyPhen-2, Align-GVGD) all suggest that this variant is likely to be tolerated. In summary, the available evidence is currently insufficient to determine the role of this variant in disease. Therefore, it has been classified as a Variant of Uncertain Significance.